The following is an entry in ClinVar:

ClinVar aggregate classification (germline): Likely benign (1 of 4 stars; one submission).

Allele frequency attached by ClinVar (database versions not stated): 1000 Genomes Project 30x 0.00078; 1000 Genomes Project 0.00080; TOPMed 0.00102; ESP Exome Variant Server 0.00108.
gnomAD v4.1: 2,579 of 1,612,014 alleles (0.16%); highest among the groups gnomAD compares: Non-Finnish European, 0.19%; 3 homozygotes.

Submission:

CeGaT Center for Human Genetics Tuebingen
Classification: Likely benign. Last evaluated: 2023-04-01. Review status: criteria provided, single submitter. Criteria: CeGaT Center For Human Genetics Tuebingen Variant Classification Criteria Version 2. Collection method: clinical testing. Allele origin: germline. Affected: yes. Observed: 1 variant allele.
Comment: EPHA7: BP4, BP7

NM_004440.4(EPHA7):c.1344A>T (p.Gly448=)

Gene: EPHA7 (EPH receptor A7; minus strand). Cytogenetic location: 6q16.1.
Variant type: single nucleotide variant.
Coding change: c.1344A>T on transcript NM_004440.4 (MANE Select); coding-DNA position 1344, A replaced by T.
Protein change: p.Gly448=; no amino-acid change (glycine 448 retained).
Molecular consequence: synonymous variant. On other transcripts: non-coding transcript variant (1).
Genome position (GRCh38, 1-based): chr6:93,272,403, T>A on the plus strand (A>T on the coding strand, the complement: EPHA7 is on the minus strand). VCF-style: chr6-93272403-T-A. GRCh37 (hg19) VCF-style: chr6-93982121-T-A.
Other names: c.1344A>T, p.Gly448= (NM_001288629.2, NM_001376465.1, NM_001376466.1 and 2 more transcripts); c.1116A>T, p.Gly372= (NM_001376470.1, NM_001376471.1).
Identifiers: ClinVar variation 2656776 (VCV002656776.24), dbSNP rs138194107, ClinGen allele CA3929222.